The following is an entry in ClinVar:

ClinVar aggregate classification (germline): Pathogenic (1 of 4 stars; one submission).

Allele frequency attached by ClinVar (database versions not stated): gnomAD exomes below 0.00001; gnomAD 0.00001; TOPMed 0.00001.
gnomAD v4.1: 2 of 1,589,850 alleles (0.00013%); highest among the groups gnomAD compares: Non-Finnish European, 0.00017%; no homozygotes.

Submission:

Labcorp Genetics (formerly Invitae), Labcorp
Classification: Pathogenic. Last evaluated: 2022-06-13. Review status: criteria provided, single submitter. Criteria: Invitae Variant Classification Sherloc (09022015). Collection method: clinical testing. Allele origin: germline.
Comment: For these reasons, this variant has been classified as Pathogenic. Algorithms developed to predict the effect of sequence changes on RNA splicing suggest that this variant may disrupt the consensus splice site. This variant has not been reported in the literature in individuals affected with MPDZ-related conditions. This variant is not present in population databases (gnomAD no frequency). This sequence change creates a premature translational stop signal (p.Gln1404*) in the MPDZ gene. It is expected to result in an absent or disrupted protein product. Loss-of-function variants in MPDZ are known to be pathogenic (PMID: 23240096, 28556411).

Literature cited by the submitters: PubMed 23240096; PubMed 28556411.

NM_001378778.1(MPDZ):c.4210C>T (p.Gln1404Ter)

Gene: MPDZ (multiple PDZ domain crumbs cell polarity complex component; minus strand). Cytogenetic location: 9p23.
Variant type: single nucleotide variant.
Coding change: c.4210C>T on transcript NM_001378778.1 (MANE Select); coding-DNA position 4210, C replaced by T.
Protein change: p.Gln1404Ter; replaces glutamine 1404 with a stop codon.
Molecular consequence: nonsense.
Genome position (GRCh38, 1-based): chr9:13,136,794, G>A on the plus strand (C>T on the coding strand, the complement: MPDZ is on the minus strand). VCF-style: chr9-13136794-G-A. GRCh37 (hg19) VCF-style: chr9-13136793-G-A.
Other names: c.4111C>T, p.Gln1371Ter (NM_001261406.2, NM_001261407.2, NM_001375416.1 and 3 more transcripts); c.4210C>T, p.Gln1404Ter (NM_001330637.2, NM_001375413.1, NM_003829.5); c.4000C>T, p.Gln1334Ter (NM_001375420.1, NM_001375421.1, NM_001375422.1 and 4 more transcripts); c.3802C>T, p.Gln1268Ter (NM_001375427.1); short protein forms Q1268*, Q1404*, Q1371*, Q1334*.
Identifiers: ClinVar variation 1459014 (VCV001459014.6), dbSNP rs1362046514, ClinGen allele CA372949002.